The following is an entry in ClinVar:

NM_001276345.2(TNNT2):c.238T>A (p.Phe80Ile)

Gene: TNNT2 (troponin T2, cardiac type; minus strand). Cytogenetic location: 1q32.1.
Variant type: single nucleotide variant.
Coding change: c.238T>A on transcript NM_001276345.2 (MANE Select); coding-DNA position 238, T replaced by A.
Protein change: p.Phe80Ile; replaces phenylalanine 80 with isoleucine.
Molecular consequence: missense variant.
Genome position (GRCh38, 1-based): chr1:201,365,666, A>T on the plus strand (T>A on the coding strand, the complement: TNNT2 is on the minus strand). VCF-style: chr1-201365666-A-T. GRCh37 (hg19) VCF-style: chr1-201334794-A-T.
Other names: c.238T>A, p.Phe80Ile (NM_000364.4, NM_001406723.1); c.208T>A, p.Phe70Ile (NM_001001430.3, NM_001001431.3, NM_001276347.2 and 3 more transcripts); c.193T>A, p.Phe65Ile (NM_001001432.3, NM_001406728.1); c.235T>A, p.Phe79Ile (NM_001276346.2); c.205T>A, p.Phe69Ile (NM_001406725.1); short protein forms F65I, F69I, F70I, F79I, F80I.
Identifiers: ClinVar variation 4076467 (VCV004076467.1).

ClinVar aggregate classification (germline): Uncertain significance (1 of 4 stars; one submission).

Conditions:
Cardiovascular phenotype. Identifiers: MedGen CN230736.

Submission:

Molecular Diagnostic Laboratory for Inherited Cardiovascular Disease, Montreal Heart Institute
Classification: Uncertain significance for Cardiovascular phenotype. Last evaluated: 2025-07-24. Review status: criteria provided, single submitter. Criteria: ACMG Guidelines, 2015. Collection method: clinical testing. Allele origin: germline. Affected: yes.
Comment: PM1, PM2, PP2